The following is an entry in ClinVar:

ClinVar aggregate classification (germline): Uncertain significance (1 of 4 stars; one submission).

Submission:

GeneDx
Classification: Uncertain significance. Last evaluated: 2026-02-22. Review status: criteria provided, single submitter. Criteria: GeneDx Variant Classification Process June 2021. Collection method: clinical testing. Allele origin: germline.
Comment: Not observed at significant frequency in large population cohorts (gnomAD); In silico analysis suggests that this missense variant does not alter protein structure/function; Has not been previously published as pathogenic or benign to our knowledge

NM_173495.3(PTCHD1):c.2390C>G (p.Ala797Gly)

Gene: PTCHD1 (patched domain containing 1; plus strand). Cytogenetic location: Xp22.11.
Variant type: single nucleotide variant.
Coding change: c.2390C>G on transcript NM_173495.3 (MANE Select); coding-DNA position 2390, C replaced by G.
Protein change: p.Ala797Gly; replaces alanine 797 with glycine.
Molecular consequence: missense variant.
Genome position (GRCh38, 1-based): chrX:23,393,908, C>G. VCF-style: chrX-23393908-C-G. GRCh37 (hg19) VCF-style: chrX-23412025-C-G.
Other names: short protein forms A797G.
Identifiers: ClinVar variation 5009857 (VCV005009857.1).